The following is an entry in ClinVar:

ClinVar aggregate classification (germline): Likely pathogenic (1 of 4 stars; one submission).

Conditions:
KBG syndrome (KBGS). Also called: ANKRD11-Related KBG Syndrome. Identifiers: Orphanet 2332, MedGen C0220687, MONDO:0007846, OMIM 148050.

Submission:

Greenwood Genetic Center Diagnostic Laboratories, Greenwood Genetic Center
Classification: Likely pathogenic for KBG syndrome. Last evaluated: 2024-01-03. Review status: criteria provided, single submitter. Criteria: ACMG Guidelines, 2015. Collection method: clinical testing. Allele origin: germline. Affected: yes.
Comment: PVS1, PM2

NM_013275.6(ANKRD11):c.5686_5697delinsACCAGCA (p.Ala1896fs)

Gene: ANKRD11 (ankyrin repeat domain 11; minus strand). Cytogenetic location: 16q24.3.
Variant type: Indel.
Coding change: c.5686_5697delinsACCAGCA on transcript NM_013275.6 (MANE Select); coding-DNA positions 5686 to 5697, GCCGAGCTGCTG replaced by ACCAGCA.
Protein change: p.Ala1896fs; shifts the reading frame from alanine 1896.
Molecular consequence: frameshift variant.
Genome position (GRCh38, 1-based): chr16:89,280,845-89,280,856, CAGCAGCTCGGC replaced by TGCTGGT on the plus strand (GCCGAGCTGCTG replaced by ACCAGCA on the coding strand, the reverse complement: ANKRD11 is on the minus strand). VCF-style: chr16-89280845-CAGCAGCTCGGC-TGCTGGT. GRCh37 (hg19) VCF-style: chr16-89347253-CAGCAGCTCGGC-TGCTGGT.
Other names: c.5686_5697delinsACCAGCA, p.Ala1896fs (NM_001256182.2, NM_001256183.2); short protein forms A1896fs.
Identifiers: ClinVar variation 3235721 (VCV003235721.1), dbSNP rs2544226579, ClinGen allele CA2825002457.